The following is an entry in ClinVar:

NM_199420.4(POLQ):c.1517C>G (p.Ala506Gly)

Gene: POLQ (DNA polymerase theta; minus strand). Cytogenetic location: 3q13.33.
Variant type: single nucleotide variant.
Coding change: c.1517C>G on transcript NM_199420.4 (MANE Select); coding-DNA position 1517, C replaced by G.
Protein change: p.Ala506Gly; replaces alanine 506 with glycine.
Molecular consequence: missense variant.
Genome position (GRCh38, 1-based): chr3:121,511,981, G>C on the plus strand (C>G on the coding strand, the complement: POLQ is on the minus strand). VCF-style: chr3-121511981-G-C. GRCh37 (hg19) VCF-style: chr3-121230828-G-C.
Other names: short protein forms A506G.
Identifiers: ClinVar variation 1774335 (VCV001774335.3), dbSNP rs2546804382, ClinGen allele CA354116242.

ClinVar aggregate classification (germline): Uncertain significance (1 of 4 stars; one submission).

Allele frequency attached by ClinVar (database versions not stated): gnomAD exomes 0.00001.
gnomAD v4.1: 7 of 1,613,204 alleles (0.00043%); highest among the groups gnomAD compares: Non-Finnish European, 0.00059%; no homozygotes.

Submission:

Ambry Genetics
Classification: Uncertain significance. Last evaluated: 2024-06-14. Review status: criteria provided, single submitter. Criteria: Ambry Variant Classification Scheme 2023. Collection method: clinical testing. Allele origin: germline.
Comment: The p.A506G variant (also known as c.1517C>G), located in coding exon 10 of the POLQ gene, results from a C to G substitution at nucleotide position 1517. The alanine at codon 506 is replaced by glycine, an amino acid with similar properties. This amino acid position is conserved. In addition, this alteration is predicted to be tolerated by in silico analysis. Since supporting evidence is limited at this time, the clinical significance of this alteration remains unclear.